The following is an entry in ClinVar:

ClinVar aggregate classification (germline): Uncertain significance (1 of 4 stars; one submission).

Conditions:
Tatton-Brown-Rahman overgrowth syndrome. Also called: Tall stature-intellectual disability-facial dysmorphism syndrome; Tatton-Brown-Rahman syndrome. Identifiers: Orphanet 404443, MedGen C4014545, MONDO:0014382, OMIM 615879.

Allele frequency attached by ClinVar (database versions not stated): gnomAD exomes below 0.00001; ExAC 0.00001; gnomAD 0.00001.
gnomAD v4.1: 4 of 1,613,876 alleles (0.00025%); highest among the groups gnomAD compares: African/African-American, 0.0013%; no homozygotes.

Submission:

Labcorp Genetics (formerly Invitae), Labcorp
Classification: Uncertain significance for Tatton-Brown-Rahman overgrowth syndrome. Last evaluated: 2023-12-06. Review status: criteria provided, single submitter. Criteria: Invitae Variant Classification Sherloc (09022015). Collection method: clinical testing. Allele origin: germline.
Comment: This sequence change replaces cysteine, which is neutral and slightly polar, with tyrosine, which is neutral and polar, at codon 586 of the DNMT3A protein (p.Cys586Tyr). This variant is present in population databases (rs754506713, gnomAD 0.007%). This variant has not been reported in the literature in individuals affected with DNMT3A-related conditions. Advanced modeling of protein sequence and biophysical properties (such as structural, functional, and spatial information, amino acid conservation, physicochemical variation, residue mobility, and thermodynamic stability) performed at Invitae indicates that this missense variant is expected to disrupt DNMT3A protein function with a positive predictive value of 80%. In summary, the available evidence is currently insufficient to determine the role of this variant in disease. Therefore, it has been classified as a Variant of Uncertain Significance.

NM_022552.5(DNMT3A):c.1757G>A (p.Cys586Tyr)

Gene: DNMT3A (DNA methyltransferase 3 alpha; minus strand). Cytogenetic location: 2p23.3.
Variant type: single nucleotide variant.
Coding change: c.1757G>A on transcript NM_022552.5 (MANE Select); coding-DNA position 1757, G replaced by A.
Protein change: p.Cys586Tyr; replaces cysteine 586 with tyrosine.
Molecular consequence: missense variant. On other transcripts: non-coding transcript variant (1).
Genome position (GRCh38, 1-based): chr2:25,244,249, C>T on the plus strand (G>A on the coding strand, the complement: DNMT3A is on the minus strand). VCF-style: chr2-25244249-C-T. GRCh37 (hg19) VCF-style: chr2-25467118-C-T.
Other names: c.1301G>A, p.Cys434Tyr (NM_001320893.1); c.1088G>A, p.Cys363Tyr (NM_001375819.1); c.1190G>A, p.Cys397Tyr (NM_153759.3); c.1757G>A, p.Cys586Tyr (NM_175629.2); short protein forms C363Y, C397Y, C434Y, C586Y.
Identifiers: ClinVar variation 2694601 (VCV002694601.3), dbSNP rs754506713, ClinGen allele CA1555881.